The following is an entry in ClinVar:

ClinVar aggregate classification (germline): Likely benign (1 of 4 stars; one submission).

Allele frequency attached by ClinVar (database versions not stated): ExAC 0.00004; gnomAD 0.00009; TOPMed 0.00016; ESP Exome Variant Server 0.00025.
gnomAD v4.1: 213 of 1,610,346 alleles (0.013%); highest among the groups gnomAD compares: Middle Eastern, 0.066%; no homozygotes.

Submission:

CeGaT Center for Human Genetics Tuebingen
Classification: Likely benign. Last evaluated: 2023-04-01. Review status: criteria provided, single submitter. Criteria: CeGaT Center For Human Genetics Tuebingen Variant Classification Criteria Version 2. Collection method: clinical testing. Allele origin: germline. Affected: yes. Observed: 1 variant allele.
Comment: ZNF516: BP4, BP7

NM_014643.4(ZNF516):c.3066C>T (p.Gly1022=)

Gene: ZNF516 (zinc finger protein 516; minus strand). Cytogenetic location: 18q23.
Variant type: single nucleotide variant.
Coding change: c.3066C>T on transcript NM_014643.4 (MANE Select); coding-DNA position 3066, C replaced by T.
Protein change: p.Gly1022=; no amino-acid change (glycine 1022 retained).
Molecular consequence: synonymous variant.
Genome position (GRCh38, 1-based): chr18:76,379,048, G>A on the plus strand (C>T on the coding strand, the complement: ZNF516 is on the minus strand). VCF-style: chr18-76379048-G-A. GRCh37 (hg19) VCF-style: chr18-74091004-G-A.
Identifiers: ClinVar variation 2648815 (VCV002648815.24), dbSNP rs374668991, ClinGen allele CA9002801.